The following is an entry in ClinVar:

ClinVar aggregate classification (germline): Uncertain significance. Review status: criteria provided, multiple submitters, no conflicts (2 of 4 stars). 2 submissions from 2 submitters: Uncertain significance (2). Last evaluated 2025-01-23.

gnomAD v4.1: 2 of 1,608,138 alleles (0.00012%); highest among the groups gnomAD compares: African/African-American, 0.0013%; no homozygotes.

Submissions (2):

Ambry Genetics
Classification: Uncertain significance. Last evaluated: 2025-01-23. Review status: criteria provided, single submitter. Criteria: Ambry Variant Classification Scheme 2023. Collection method: clinical testing. Allele origin: germline.

Labcorp Genetics (formerly Invitae), Labcorp
Classification: Uncertain significance. Last evaluated: 2022-01-18. Review status: criteria provided, single submitter. Criteria: Invitae Variant Classification Sherloc (09022015). Collection method: clinical testing. Allele origin: germline.
Comment: In summary, the available evidence is currently insufficient to determine the role of this variant in disease. Therefore, it has been classified as a Variant of Uncertain Significance. Algorithms developed to predict the effect of missense changes on protein structure and function are either unavailable or do not agree on the potential impact of this missense change (SIFT: "Tolerated"; PolyPhen-2: "Possibly Damaging"; Align-GVGD: "Class C0"). This variant has not been reported in the literature in individuals affected with RUSC2-related conditions. This variant is present in population databases (rs769280700, gnomAD 0.003%). This sequence change replaces serine, which is neutral and polar, with arginine, which is basic and polar, at codon 869 of the RUSC2 protein (p.Ser869Arg).

NM_014806.5(RUSC2):c.2605A>C (p.Ser869Arg)

Gene: RUSC2 (RUN and SH3 domain containing 2; plus strand). Cytogenetic location: 9p13.3.
Variant type: single nucleotide variant.
Coding change: c.2605A>C on transcript NM_014806.5 (MANE Select); coding-DNA position 2605, A replaced by C.
Protein change: p.Ser869Arg; replaces serine 869 with arginine.
Molecular consequence: missense variant. On other transcripts: 5 prime UTR variant (1), non-coding transcript variant (1).
Genome position (GRCh38, 1-based): chr9:35,555,650, A>C. VCF-style: chr9-35555650-A-C. GRCh37 (hg19) VCF-style: chr9-35555647-A-C.
Other names: c.2605A>C, p.Ser869Arg (NM_001135999.2); c.-30A>C (NM_001330740.2); c.2605A>C (NM_001135999.1); short protein forms S869R.
Identifiers: ClinVar variation 1955854 (VCV001955854.4), dbSNP rs769280700, ClinGen allele CA5043902.